The following is an entry in ClinVar:

ClinVar aggregate classification (germline): Uncertain significance (1 of 4 stars; one submission).

Conditions:
Ichthyosis linearis circumflexa. Identifiers: MedGen C0265962, MONDO:0043106, HP:0025810.

Allele frequency attached by ClinVar (database versions not stated): TOPMed 0.00001; ExAC 0.00001; gnomAD exomes 0.00001.
gnomAD v4.1: 5 of 1,610,700 alleles (0.00031%); highest among the groups gnomAD compares: Admixed American, 0.0084%; no homozygotes.

Submission:

Labcorp Genetics (formerly Invitae), Labcorp
Classification: Uncertain significance for Ichthyosis linearis circumflexa. Last evaluated: 2021-02-02. Review status: criteria provided, single submitter. Criteria: Invitae Variant Classification Sherloc (09022015). Collection method: clinical testing. Allele origin: germline.
Comment: In summary, the available evidence is currently insufficient to determine the role of this variant in disease. Therefore, it has been classified as a Variant of Uncertain Significance. Algorithms developed to predict the effect of missense changes on protein structure and function are either unavailable or do not agree on the potential impact of this missense change (SIFT: "Deleterious"; PolyPhen-2: "Probably Damaging"; Align-GVGD: "Class C0"). This variant has not been reported in the literature in individuals with SPINK5-related conditions. This variant is present in population databases (rs777435572, ExAC 0.009%). This sequence change replaces cysteine with tyrosine at codon 97 of the SPINK5 protein (p.Cys97Tyr). The cysteine residue is highly conserved and there is a large physicochemical difference between cysteine and tyrosine.

NM_006846.4(SPINK5):c.290G>A (p.Cys97Tyr)

Gene: SPINK5 (serine peptidase inhibitor Kazal type 5; plus strand). Cytogenetic location: 5q32.
Variant type: single nucleotide variant.
Coding change: c.290G>A on transcript NM_006846.4 (MANE Select); coding-DNA position 290, G replaced by A.
Protein change: p.Cys97Tyr; replaces cysteine 97 with tyrosine.
Molecular consequence: missense variant.
Genome position (GRCh38, 1-based): chr5:148,086,412, G>A. VCF-style: chr5-148086412-G-A. GRCh37 (hg19) VCF-style: chr5-147465975-G-A.
Other names: c.290G>A, p.Cys97Tyr (NM_001127698.2, NM_001127699.2); short protein forms C97Y.
Identifiers: ClinVar variation 1450048 (VCV001450048.8), dbSNP rs777435572, ClinGen allele CA3495176.